The following is an entry in ClinVar:

NM_021831.6(AGBL5):c.2187_2204del (p.Ala730_Leu735del)

Gene: AGBL5 (AGBL carboxypeptidase 5; plus strand). Cytogenetic location: 2p23.3.
Variant type: Deletion.
Coding change: c.2187_2204del on transcript NM_021831.6 (MANE Select); coding-DNA positions 2187 to 2204, 18 bases deleted (AGCCTCCTCACACAAGCT).
Protein change: p.Ala730_Leu735del.
Molecular consequence: inframe deletion. On other transcripts: inframe indel (1), non-coding transcript variant (2).
Genome position (GRCh38, 1-based): chr2:27,067,591-27,067,608, AGCCTCCTCACACAAGCT deleted. VCF-style (leftmost placement, unchanged base first): chr2-27067590-CAGCCTCCTCACACAAGCT-C. GRCh37 (hg19) VCF-style: chr2-27290458-CAGCCTCCTCACACAAGCT-C.
Other names: c.2187_2204del18, p.Ala730_Leu735del (NM_001035506.1).
Identifiers: ClinVar variation 2098669 (VCV002098669.4), dbSNP rs2465545504, ClinGen allele CA2580066203.

ClinVar aggregate classification (germline): Uncertain significance (1 of 4 stars; one submission).

Submission:

Labcorp Genetics (formerly Invitae), Labcorp
Classification: Uncertain significance. Last evaluated: 2022-03-29. Review status: criteria provided, single submitter. Criteria: Invitae Variant Classification Sherloc (09022015). Collection method: clinical testing. Allele origin: germline.
Comment: In summary, the available evidence is currently insufficient to determine the role of this variant in disease. Therefore, it has been classified as a Variant of Uncertain Significance. Experimental studies and prediction algorithms are not available or were not evaluated, and the functional significance of this variant is currently unknown. This variant has not been reported in the literature in individuals affected with AGBL5-related conditions. This variant is not present in population databases (gnomAD no frequency). This variant, c.2187_2204del, results in the deletion of 6 amino acid(s) of the AGBL5 protein (p.Ala730_Leu735del), but otherwise preserves the integrity of the reading frame.